The following is an entry in ClinVar:

ClinVar aggregate classification (germline): Uncertain significance. Review status: criteria provided, multiple submitters, no conflicts (2 of 4 stars). 2 submissions from 2 submitters: Uncertain significance (2). Last evaluated 2024-02-23.

Conditions:
DSG2-related disorder. Also called: DSG2-related condition.
Arrhythmogenic right ventricular dysplasia 10. Also called: Arrhythmogenic Right Ventricular Dysplasia/Cardiomyopathy10; ARRHYTHMOGENIC RIGHT VENTRICULAR DYSPLASIA, FAMILIAL, 10; Arrhythmogenic right ventricular dysplasia/cardiomyopathy, type 10. Identifiers: MedGen C1857777, MONDO:0012434, OMIM 610193.

Submissions (2):

Labcorp Genetics (formerly Invitae), Labcorp
Classification: Uncertain significance for Arrhythmogenic right ventricular dysplasia 10. Last evaluated: 2024-02-23. Review status: criteria provided, single submitter. Criteria: Invitae Variant Classification Sherloc (09022015). Collection method: clinical testing. Allele origin: germline.
Comment: This sequence change replaces glycine, which is neutral and non-polar, with tryptophan, which is neutral and slightly polar, at codon 752 of the DSG2 protein (p.Gly752Trp). This variant is not present in population databases (gnomAD no frequency). This variant has not been reported in the literature in individuals affected with DSG2-related conditions. ClinVar contains an entry for this variant (Variation ID: 2635310). Advanced modeling of protein sequence and biophysical properties (such as structural, functional, and spatial information, amino acid conservation, physicochemical variation, residue mobility, and thermodynamic stability) performed at Invitae indicates that this missense variant is not expected to disrupt DSG2 protein function with a negative predictive value of 95%. In summary, the available evidence is currently insufficient to determine the role of this variant in disease. Therefore, it has been classified as a Variant of Uncertain Significance.

PreventionGenetics, part of Exact Sciences
Classification: Uncertain significance for DSG2-related condition. Last evaluated: 2022-11-06. Review status: criteria provided, single submitter. Criteria: ACMG Guidelines, 2015. Collection method: clinical testing. Allele origin: germline.
Comment: The DSG2 c.2254G>T variant is predicted to result in the amino acid substitution p.Gly752Trp. To our knowledge, this variant has not been reported in the literature or in a large population database, indicating this variant is rare. At this time, the clinical significance of this variant is uncertain due to the absence of conclusive functional and genetic evidence.

NM_001943.5(DSG2):c.2254G>T (p.Gly752Trp)

Genes: DSG2 (desmoglein 2; plus strand), DSG2-AS1 (DSG2 antisense RNA 1; minus strand). Cytogenetic location: 18q12.1.
Variant type: single nucleotide variant.
Coding change: c.2254G>T on transcript NM_001943.5 (MANE Select); coding-DNA position 2254, G replaced by T.
Protein change: p.Gly752Trp; replaces glycine 752 with tryptophan.
Molecular consequence: missense variant.
Genome position (GRCh38, 1-based): chr18:31,542,772, G>T. VCF-style: chr18-31542772-G-T. GRCh37 (hg19) VCF-style: chr18-29122735-G-T.
Other names: short protein forms G752W.
Identifiers: ClinVar variation 2635310 (VCV002635310.3), dbSNP rs2510920808, ClinGen allele CA402142803.
Genomic context (GRCh38, chr18:31,542,772, plus strand): 5'-TTTACAGGGGCCACAGGCGCTATCATGACCACTGAAACCACGAAGACCGCAAGGGCCACA[G>T]GGGCTTCCAGAGACATGGCCGGAGCTCAGGCAGCTGCTGTTGCACTGAACGAAGAATTCT-3'
Protein context (NP_001934.2, residues 742-762): TETTKTARAT[Gly752Trp]ASRDMAGAQA